The following is an entry in ClinVar:

ClinVar aggregate classification (germline): Uncertain significance (1 of 4 stars; one submission).

Conditions:
Idiopathic generalized epilepsy. Also called: Generalised epilepsy; EIG. Identifiers: MedGen C0270850, MONDO:0005579, OMIM 600669.
Hyperaldosteronism, familial, type IV (HALD4). Also called: FH IV; ALDOSTERONISM, PRIMARY, AND HYPERTENSION. Identifiers: Orphanet 642671, MedGen C4310756, MONDO:0014875, OMIM 617027.

gnomAD v4.1: 1 of 1,449,952 alleles (0.000069%); highest among the groups gnomAD compares: Non-Finnish European, 0.000091%; no homozygotes.

Submission:

Labcorp Genetics (formerly Invitae), Labcorp
Classification: Uncertain significance for Idiopathic generalized epilepsy; Hyperaldosteronism, familial, type IV. Last evaluated: 2020-09-11. Review status: criteria provided, single submitter. Criteria: Invitae Variant Classification Sherloc (09022015). Collection method: clinical testing. Allele origin: germline.
Comment: In summary, the available evidence is currently insufficient to determine the role of this variant in disease. Therefore, it has been classified as a Variant of Uncertain Significance. Algorithms developed to predict the effect of missense changes on protein structure and function are either unavailable or do not agree on the potential impact of this missense change (SIFT: "Tolerated"; PolyPhen-2: "Possibly Damaging"; Align-GVGD: "Class C0"). This variant has not been reported in the literature in individuals with CACNA1H-related conditions. The frequency data for this variant in the population databases is considered unreliable, as metrics indicate insufficient coverage at this position in the ExAC database. This sequence change replaces alanine with serine at codon 77 of the CACNA1H protein (p.Ala77Ser). The alanine residue is weakly conserved and there is a moderate physicochemical difference between alanine and serine.

NM_021098.3(CACNA1H):c.229G>T (p.Ala77Ser)

Gene: CACNA1H (calcium voltage-gated channel subunit alpha1 H; plus strand). Cytogenetic location: 16p13.3.
Variant type: single nucleotide variant.
Coding change: c.229G>T on transcript NM_021098.3 (MANE Select); coding-DNA position 229, G replaced by T.
Protein change: p.Ala77Ser; replaces alanine 77 with serine.
Molecular consequence: missense variant.
Genome position (GRCh38, 1-based): chr16:1,153,966, G>T. VCF-style: chr16-1153966-G-T. GRCh37 (hg19) VCF-style: chr16-1203966-G-T.
Other names: c.229G>T, p.Ala77Ser (NM_001005407.2); short protein forms A77S.
Identifiers: ClinVar variation 834465 (VCV000834465.9), dbSNP rs1428706132, ClinGen allele CA394145892.